The following is an entry in ClinVar:

ClinVar aggregate classification (germline): Uncertain significance (1 of 4 stars; one submission).

Submission:

GeneDx
Classification: Uncertain significance. Last evaluated: 2022-12-02. Review status: criteria provided, single submitter. Criteria: GeneDx Variant Classification Process June 2021. Collection method: clinical testing. Allele origin: germline. Affected: yes.
Comment: Not observed at significant frequency in large population cohorts (gnomAD); In silico analysis supports that this missense variant has a deleterious effect on protein structure/function; Has not been previously published as pathogenic or benign to our knowledge

NM_003482.4(KMT2D):c.15721T>G (p.Phe5241Val)

Gene: KMT2D (lysine methyltransferase 2D; minus strand). Cytogenetic location: 12q13.12.
Variant type: single nucleotide variant.
Coding change: c.15721T>G on transcript NM_003482.4 (MANE Select); coding-DNA position 15721, T replaced by G.
Protein change: p.Phe5241Val; replaces phenylalanine 5241 with valine.
Molecular consequence: missense variant.
Genome position (GRCh38, 1-based): chr12:49,026,245, A>C on the plus strand (T>G on the coding strand, the complement: KMT2D is on the minus strand). VCF-style: chr12-49026245-A-C. GRCh37 (hg19) VCF-style: chr12-49420028-A-C.
Other names: short protein forms F5241V.
Identifiers: ClinVar variation 2504914 (VCV002504914.1), dbSNP rs1592104593, ClinGen allele CA384685323.
Genomic context (GRCh38, chr12:49,026,245, plus strand): 5'-GGGGAGAGGCGTCAGTGAAGACCAGGTCCTCCAGGCCCTGCTCGATGACTTTGATTACAA[A>C]CTCCGGCCGCCCGTTGTTCTCACCAATAGAACAGCGATAGCAGCAGCGACGATTGTTGGT-3'
Protein context (NP_003473.3, residues 5231-5251): SIGENNGRPE[Phe5241Val]VIKVIEQGLE